The following is an entry in ClinVar:

ClinVar aggregate classification (germline): Uncertain significance. Review status: criteria provided, multiple submitters, no conflicts (2 of 4 stars). 2 submissions from 2 submitters: Uncertain significance (2). Last evaluated 2026-02-02.

Conditions:
Multiple endocrine neoplasia, type 2 (MEN2). Identifiers: Orphanet 653, MedGen C4048306, MONDO:0019003. Disease mechanism: gain of function.
Hereditary cancer-predisposing syndrome. Also called: Hereditary Cancer Syndrome; Neoplastic Syndromes, Hereditary; Tumor predisposition; Hereditary neoplastic syndrome. Identifiers: Orphanet 140162, MedGen C0027672, MeSH D009386, MONDO:0015356.

Submissions (2):

Ambry Genetics
Classification: Uncertain significance for Hereditary cancer-predisposing syndrome. Last evaluated: 2026-02-02. Review status: criteria provided, single submitter. Criteria: Ambry Variant Classification Scheme 2023. Collection method: clinical testing. Allele origin: germline.
Comment: The p.T1038S variant (also known as c.3112A>T), located in coding exon 19 of the RET gene, results from an A to T substitution at nucleotide position 3112. The threonine at codon 1038 is replaced by serine, an amino acid with similar properties. This amino acid position is well conserved in available vertebrate species. In addition, this alteration is predicted to be tolerated by in silico analysis. Based on the available evidence, the clinical significance of this variant remains unclear.

Labcorp Genetics (formerly Invitae), Labcorp
Classification: Uncertain significance for Multiple endocrine neoplasia, type 2. Last evaluated: 2021-09-01. Review status: criteria provided, single submitter. Criteria: Invitae Variant Classification Sherloc (09022015). Collection method: clinical testing. Allele origin: germline.
Comment: This sequence change replaces threonine with serine at codon 1038 of the RET protein (p.Thr1038Ser). The threonine residue is highly conserved and there is a small physicochemical difference between threonine and serine. This variant is not present in population databases (ExAC no frequency). This variant has not been reported in the literature in individuals affected with RET-related conditions. Algorithms developed to predict the effect of missense changes on protein structure and function (SIFT, PolyPhen-2, Align-GVGD) all suggest that this variant is likely to be tolerated. In summary, the available evidence is currently insufficient to determine the role of this variant in disease. Therefore, it has been classified as a Variant of Uncertain Significance.

NM_020975.6(RET):c.3112A>T (p.Thr1038Ser)

Gene: RET (ret proto-oncogene; plus strand). Cytogenetic location: 10q11.21.
Variant type: single nucleotide variant.
Coding change: c.3112A>T on transcript NM_020975.6 (MANE Select); coding-DNA position 3112, A replaced by T.
Protein change: p.Thr1038Ser; replaces threonine 1038 with serine.
Molecular consequence: missense variant.
Genome position (GRCh38, 1-based): chr10:43,126,647, A>T. VCF-style: chr10-43126647-A-T. GRCh37 (hg19) VCF-style: chr10-43622095-A-T.
Other names: c.3112A>T, p.Thr1038Ser (NM_000323.2, NM_001406743.1, NM_020629.2 and 4 more transcripts); c.2350A>T, p.Thr784Ser (NM_001355216.2); c.2848A>T, p.Thr950Ser (NM_001406768.1); c.2716A>T, p.Thr906Ser (NM_001406769.1, NM_001406772.1); c.2824A>T, p.Thr942Ser (NM_001406770.1, NM_001406766.1, NM_001406767.1); c.2674A>T, p.Thr892Ser (NM_001406771.1, NM_001406773.1); c.2587A>T, p.Thr863Ser (NM_001406774.1); c.2386A>T, p.Thr796Ser (NM_001406775.1, NM_001406776.1, NM_001406777.1 and 1 more transcripts); and 10 more; short protein forms T1038S, T784S, T739S, T863S, T906S, T993S, T555S, T643S.
Identifiers: ClinVar variation 1052170 (VCV001052170.8), dbSNP rs201740483, ClinGen allele CA376558421.